The following is an entry in ClinVar:

NM_000264.5(PTCH1):c.82G>C (p.Ala28Pro)

Genes: PTCH1 (patched 1; minus strand), LOC130002133 (ATAC-STARR-seq lymphoblastoid silent region 20071; plus strand). Cytogenetic location: 9q22.32.
Variant type: single nucleotide variant.
Coding change: c.82G>C on transcript NM_000264.5 (MANE Select); coding-DNA position 82, G replaced by C.
Protein change: p.Ala28Pro; replaces alanine 28 with proline.
Molecular consequence: missense variant. On other transcripts: non-coding transcript variant (1), intron variant (3).
Genome position (GRCh38, 1-based): chr9:95,508,280, C>G on the plus strand (G>C on the coding strand, the complement: PTCH1 is on the minus strand). VCF-style: chr9-95508280-C-G. GRCh37 (hg19) VCF-style: chr9-98270562-C-G.
Other names: c.82G>C, p.Ala28Pro (NM_001354918.2); c.199-1681G>C (NM_001083603.3); c.4-1681G>C (NM_001083602.3, NM_001354919.2); short protein forms A28P.
Identifiers: ClinVar variation 1762830 (VCV001762830.2), dbSNP rs1341574540, ClinGen allele CA374121460.

ClinVar aggregate classification (germline): Uncertain significance (1 of 4 stars; one submission).

Conditions:
Hereditary cancer-predisposing syndrome. Also called: Neoplastic Syndromes, Hereditary; Tumor predisposition; Hereditary Cancer Syndrome; Hereditary neoplastic syndrome. Identifiers: Orphanet 140162, MedGen C0027672, MeSH D009386, MONDO:0015356.

Allele frequency attached by ClinVar (database versions not stated): gnomAD exomes below 0.00001.
gnomAD v4.1: 1 of 1,551,328 alleles (0.000064%); highest among the groups gnomAD compares: South Asian, 0.0012%; no homozygotes.

Submission:

Ambry Genetics
Classification: Uncertain significance for Hereditary cancer-predisposing syndrome. Last evaluated: 2022-04-19. Review status: criteria provided, single submitter. Criteria: Ambry Variant Classification Scheme 2023. Collection method: clinical testing. Allele origin: germline.
Comment: The p.A28P variant (also known as c.82G>C), located in coding exon 1 of the PTCH1 gene, results from a G to C substitution at nucleotide position 82. The alanine at codon 28 is replaced by proline, an amino acid with highly similar properties. This amino acid position is conserved. In addition, this alteration is predicted to be tolerated by in silico analysis. Since supporting evidence is limited at this time, the clinical significance of this alteration remains unclear.